The following is an entry in ClinVar:

NM_020964.3(EPG5):c.3901dup (p.Thr1301fs)

Gene: EPG5 (ectopic P-granules 5 autophagy tethering factor; minus strand). Cytogenetic location: 18q21.1.
Variant type: Duplication.
Coding change: c.3901dup on transcript NM_020964.3 (MANE Select); coding-DNA position 3901, one base duplicated (A; older notation c.3901dupA).
Protein change: p.Thr1301fs; shifts the reading frame from threonine 1301.
Molecular consequence: frameshift variant.
Genome position (GRCh38, 1-based): chr18:45,912,372, T duplicated on the plus strand (A on the coding strand, the reverse complement: EPG5 is on the minus strand). VCF-style (leftmost placement, unchanged base first): chr18-45912371-G-GT. GRCh37 (hg19) VCF-style: chr18-43492336-G-GT.
Other names: c.3901dup, p.Thr1301fs (NM_001410858.1, NM_001410859.1); short protein forms T1301fs.
Identifiers: ClinVar variation 3657161 (VCV003657161.2).

ClinVar aggregate classification (germline): Pathogenic (1 of 4 stars; one submission).

Conditions:
Vici syndrome (VICIS). Identifiers: Orphanet 1493, MedGen C1855772, MONDO:0009452, OMIM 242840.

Submission:

Labcorp Genetics (formerly Invitae), Labcorp
Classification: Pathogenic for Vici syndrome. Last evaluated: 2024-06-26. Review status: criteria provided, single submitter. Criteria: Invitae Variant Classification Sherloc (09022015). Collection method: clinical testing. Allele origin: germline.
Comment: This sequence change creates a premature translational stop signal (p.Thr1301Asnfs*4) in the EPG5 gene. It is expected to result in an absent or disrupted protein product. Loss-of-function variants in EPG5 are known to be pathogenic (PMID: 23222957, 23674064). This variant is not present in population databases (gnomAD no frequency). This variant has not been reported in the literature in individuals affected with EPG5-related conditions. For these reasons, this variant has been classified as Pathogenic.

Literature cited by the submitters: PubMed 23222957; PubMed 23674064.